The following is an entry in ClinVar:

NC_000019.9:g.(1222006_1223105)_(1226494_1227591)del

Gene: STK11 (serine/threonine kinase 11; plus strand). Cytogenetic location: 19p13.3.
Variant type: Deletion.
Identifiers: ClinVar variation 1301325 (VCV001301325.4).

ClinVar aggregate classification (germline): Likely pathogenic (1 of 4 stars; one submission).

Conditions:
Peutz-Jeghers syndrome (PJS). Also called: Peutz-Jeghers polyposis; Periorificial lentiginosis syndrome; POLYPOSIS, HAMARTOMATOUS INTESTINAL; POLYPS-AND-SPOTS SYNDROME. Identifiers: Orphanet 2869, MedGen C0031269, MeSH D010580, MONDO:0008280, OMIM 175200.

Submission:

Women's Health and Genetics/Laboratory Corporation of America, LabCorp
Classification: Likely pathogenic for Peutz-Jeghers syndrome. Last evaluated: 2023-01-10. Review status: criteria provided, single submitter. Criteria: LabCorp Variant Classification Summary - May 2015. Collection method: clinical testing. Allele origin: germline.
Comment: Variant summary: The variant identified by MLPA or other technology involves the partial deletion of exons 8-9 in the STK11 gene. A presumed nomenclature of c.(920+1_1042)_(1150_*17-1)del has been designated for the purposes of this classification. Although exact breakpoints of this deletion are not known, it is expected to result in a frameshift or large in-frame deletion in the STK11 gene, which are known mechanisms of disease. The frequency of this variant in the general population could not be determined as the technology used for large population databases (ExAC, ESP, 1000G) cannot detect variants of this type and no structural variants are reported in this region in the gnomAD database (structural variants dataset). To our knowledge, no occurrence of c.(920+1_1042)_(1150_*17-1)del in individuals affected with Peutz-Jeghers Syndrome and no experimental evidence demonstrating its impact on protein function have been reported. No clinical diagnostic laboratories have submitted clinical-significance assessments for this variant to ClinVar after 2014. However, other exonic deletions in this region (ex. 8 del, ex. 8-9 del, ex. 9-10 del) have been reported to associate with Peutz-Jeghers syndrome (HGMD database). Based on the evidence outlined above, the variant was classified as likely pathogenic.